The following is an entry in ClinVar:

ClinVar aggregate classification (germline): Uncertain significance (1 of 4 stars; one submission).

Conditions:
Tuberous sclerosis 2 (TSC2). Identifiers: Orphanet 805, MedGen C1860707, MONDO:0013199, OMIM 613254.

Submission:

Labcorp Genetics (formerly Invitae), Labcorp
Classification: Uncertain significance for Tuberous sclerosis 2. Last evaluated: 2022-07-26. Review status: criteria provided, single submitter. Criteria: Invitae Variant Classification Sherloc (09022015). Collection method: clinical testing. Allele origin: germline.
Comment: Algorithms developed to predict the effect of missense changes on protein structure and function are either unavailable or do not agree on the potential impact of this missense change (SIFT: "Deleterious"; PolyPhen-2: "Possibly Damaging"; Align-GVGD: "Class C0"). In summary, the available evidence is currently insufficient to determine the role of this variant in disease. Therefore, it has been classified as a Variant of Uncertain Significance. This variant has not been reported in the literature in individuals affected with TSC2-related conditions. This sequence change replaces glutamine, which is neutral and polar, with leucine, which is neutral and non-polar, at codon 864 of the TSC2 protein (p.Gln864Leu). This variant is not present in population databases (gnomAD no frequency).

NM_000548.5(TSC2):c.2591A>T (p.Gln864Leu)

Gene: TSC2 (TSC complex subunit 2; plus strand). Cytogenetic location: 16p13.3.
Variant type: single nucleotide variant.
Coding change: c.2591A>T on transcript NM_000548.5 (MANE Select); coding-DNA position 2591, A replaced by T.
Protein change: p.Gln864Leu; replaces glutamine 864 with leucine.
Molecular consequence: missense variant.
Genome position (GRCh38, 1-based): chr16:2,075,844, A>T. VCF-style: chr16-2075844-A-T. GRCh37 (hg19) VCF-style: chr16-2125845-A-T.
Other names: c.2681A>T, p.Gln894Leu (NM_001406667.1, NM_001406668.1); c.2480A>T, p.Gln827Leu (NM_001406670.1, NM_001406678.1, NM_001318827.2); c.2579A>T, p.Gln860Leu (NM_001406671.1, NM_001406673.1); c.2444A>T, p.Gln815Leu (NM_001406675.1, NM_001406676.1, NM_001406679.1 and 1 more transcripts); c.2534A>T, p.Gln845Leu (NM_001406677.1); c.1247A>T, p.Gln416Leu (NM_001406689.1, NM_001406690.1, NM_001406691.1 and 6 more transcripts); c.989A>T, p.Gln330Leu (NM_001406698.1); c.2591A>T, p.Gln864Leu (NM_001077183.3, NM_001114382.3, NM_001363528.2 and 6 more transcripts); and 3 more; short protein forms Q330L, Q827L, Q860L, Q664L, Q845L, Q864L, Q710L, Q815L.
Identifiers: ClinVar variation 2045184 (VCV002045184.4), dbSNP rs2151380945, ClinGen allele CA394278393.